The following is an entry in ClinVar:

ClinVar aggregate classification (germline): Conflicting classifications of pathogenicity. Review status: criteria provided, conflicting classifications (1 of 4 stars). 4 submissions from 4 submitters: Uncertain significance (1); Benign (1); Likely benign (1). 1 of the submissions does not count toward it. Last evaluated 2026-01-04.

Conditions:
ELANE-related disorder. Also called: ELANE-related condition.
Cyclical neutropenia. Also called: Cyclic hematopoiesis; Cyclic Neutropenia. Identifiers: Orphanet 2686, MedGen C0221023, MONDO:0008090, OMIM 162800, HP:0040289. Disease mechanism: loss of function.
Neutropenia, severe congenital, 1, autosomal dominant. Identifiers: MedGen C1859966, MONDO:0042490, OMIM 202700.
Autoinflammatory syndrome. Identifiers: Orphanet 93665, MedGen C3890737, MONDO:0019751.

Allele frequency attached by ClinVar (database versions not stated): TOPMed 0.00007; gnomAD 0.00009 and 0.00010; ExAC 0.00012; gnomAD exomes 0.00013; 1000 Genomes Project 30x 0.00016; ESP Exome Variant Server 0.00016; 1000 Genomes Project 0.00040.

Submissions (4):

Labcorp Genetics (formerly Invitae), Labcorp
Classification: Benign for Neutropenia, severe congenital, 1, autosomal dominant; Cyclical neutropenia. Last evaluated: 2026-01-04. Review status: criteria provided, single submitter. Criteria: Invitae Variant Classification Sherloc (09022015). Collection method: clinical testing. Allele origin: germline.

Blueprint Genetics
Classification: Likely benign. Last evaluated: 2024-01-18. Review status: criteria provided, single submitter. Criteria: ACMG Guidelines, 2015. Collection method: clinical testing. Allele origin: germline.

Genome Diagnostics Laboratory, The Hospital for Sick Children
Classification: Uncertain significance for Autoinflammatory syndrome. Last evaluated: 2018-11-01. Review status: criteria provided, single submitter. Criteria: ACMG Guidelines, 2015. Collection method: clinical testing. Allele origin: germline. Affected: yes.

PreventionGenetics, part of Exact Sciences
Classification: Likely benign for ELANE-related condition. Last evaluated: 2022-05-11. Review status: no assertion criteria provided. Collection method: clinical testing. Allele origin: germline. Not counted in ClinVar's aggregate classification.
Comment: This variant is classified as likely benign based on ACMG/AMP sequence variant interpretation guidelines (Richards et al. 2015 PMID: 25741868, with internal and published modifications).

NM_001972.4(ELANE):c.366+9G>A

Gene: ELANE (elastase, neutrophil expressed; plus strand). Cytogenetic location: 19p13.3.
Variant type: single nucleotide variant.
Coding change: c.366+9G>A on transcript NM_001972.4 (MANE Select); 9 bases into the intron after coding-DNA position 366, G replaced by A.
Molecular consequence: intron variant.
Genome position (GRCh38, 1-based): chr19:853,412, G>A. VCF-style: chr19-853412-G-A. GRCh37 (hg19) VCF-style: chr19-853412-G-A.
Identifiers: ClinVar variation 1167914 (VCV001167914.17), dbSNP rs200948740, ClinGen allele CA9026010.